The following is an entry in ClinVar:

ClinVar aggregate classification (germline): Uncertain significance (1 of 4 stars; one submission).

Submission:

Labcorp Genetics (formerly Invitae), Labcorp
Classification: Uncertain significance. Last evaluated: 2022-08-23. Review status: criteria provided, single submitter. Criteria: Invitae Variant Classification Sherloc (09022015). Collection method: clinical testing. Allele origin: germline.
Comment: This sequence change replaces glycine, which is neutral and non-polar, with aspartic acid, which is acidic and polar, at codon 368 of the LPL protein (p.Gly368Asp). This variant is not present in population databases (gnomAD no frequency). This variant has not been reported in the literature in individuals affected with LPL-related conditions. ClinVar contains an entry for this variant (Variation ID: 1473615). Algorithms developed to predict the effect of missense changes on protein structure and function (SIFT, PolyPhen-2, Align-GVGD) all suggest that this variant is likely to be disruptive. In summary, the available evidence is currently insufficient to determine the role of this variant in disease. Therefore, it has been classified as a Variant of Uncertain Significance.

NM_000237.3(LPL):c.1103G>A (p.Gly368Asp)

Gene: LPL (lipoprotein lipase; plus strand). Cytogenetic location: 8p21.3.
Variant type: single nucleotide variant.
Coding change: c.1103G>A on transcript NM_000237.3 (MANE Select); coding-DNA position 1103, G replaced by A.
Protein change: p.Gly368Asp; replaces glycine 368 with aspartic acid.
Molecular consequence: missense variant.
Genome position (GRCh38, 1-based): chr8:19,959,344, G>A. VCF-style: chr8-19959344-G-A. GRCh37 (hg19) VCF-style: chr8-19816855-G-A.
Other names: short protein forms G368D.
Identifiers: ClinVar variation 1473615 (VCV001473615.6), dbSNP rs2128839215, ClinGen allele CA370638436.
Genomic context (GRCh38, chr8:19,959,344, plus strand): 5'-ATTTTTCTGGGACTGAGAGTGAAACCCATACCAATCAGGCCTTTGAGATTTCTCTGTATG[G>A]CACCGTGGCCGAGAGTGAGAACATCCCATTCACTCTGTGAGTAGCACAGGGGGGCGGTCA-3'
Protein context (NP_000228.1, residues 358-378): TNQAFEISLY[Gly368Asp]TVAESENIPF